The following is an entry in ClinVar:

NM_000059.4(BRCA2):c.3822G>T (p.Lys1274Asn)

Gene: BRCA2 (BRCA2 DNA repair associated; plus strand). Cytogenetic location: 13q13.1.
Variant type: single nucleotide variant.
Coding change: c.3822G>T on transcript NM_000059.4 (MANE Select); coding-DNA position 3822, G replaced by T.
Protein change: p.Lys1274Asn; replaces lysine 1274 with asparagine.
Molecular consequence: missense variant.
Genome position (GRCh38, 1-based): chr13:32,338,177, G>T. VCF-style: chr13-32338177-G-T. GRCh37 (hg19) VCF-style: chr13-32912314-G-T.
Other names: short protein forms K1274N.
Identifiers: ClinVar variation 649383 (VCV000649383.10), dbSNP rs1555283410, ClinGen allele CA387778493.

ClinVar aggregate classification (germline): Conflicting classifications of pathogenicity. Review status: criteria provided, conflicting classifications (1 of 4 stars). 2 submissions from 2 submitters: Uncertain significance (1); Likely benign (1). Last evaluated 2023-03-23.

Conditions:
Hereditary breast ovarian cancer syndrome. Also called: Breast and ovarian cancer; BRCA1- and BRCA2-Associated Hereditary Breast and Ovarian Cancer; Hereditary breast and ovarian cancer; Hereditary breast and ovarian cancer syndrome (HBOC); Hereditary breast and/or ovarian cancer syndrome; Hereditary breast and ovarian cancer syndrome. Identifiers: Orphanet 145, MedGen C0677776, MeSH D061325, MONDO:0003582. Disease mechanism: loss of function.
Hereditary cancer-predisposing syndrome. Also called: Neoplastic Syndromes, Hereditary; Tumor predisposition; Hereditary Cancer Syndrome; Hereditary neoplastic syndrome. Identifiers: Orphanet 140162, MedGen C0027672, MeSH D009386, MONDO:0015356.

Submissions (2):

University of Washington Department of Laboratory Medicine, University of Washington
Classification: Likely benign for Hereditary cancer-predisposing syndrome. Last evaluated: 2023-03-23. Review status: criteria provided, single submitter. Criteria: Dines et al. (Genet Med. 2020). Collection method: curation. Allele origin: germline.
Comment: Missense variant in a coldspot region where missense variants are very unlikely to be pathogenic (PMID:31911673).

BRCA2 exon 11 coldspot. Reclassification based on statistical prior probability.

Labcorp Genetics (formerly Invitae), Labcorp
Classification: Uncertain significance for Hereditary breast ovarian cancer syndrome. Last evaluated: 2018-11-01. Review status: criteria provided, single submitter. Criteria: Invitae Variant Classification Sherloc (09022015). Collection method: clinical testing. Allele origin: germline.
Comment: This sequence change replaces lysine with asparagine at codon 1274 of the BRCA2 protein (p.Lys1274Asn). The lysine residue is weakly conserved and there is a moderate physicochemical difference between lysine and asparagine. This variant is not present in population databases (ExAC no frequency). This variant has not been reported in the literature in individuals with BRCA2-related disease. Algorithms developed to predict the effect of missense changes on protein structure and function (SIFT, PolyPhen-2, Align-GVGD) all suggest that this variant is likely to be tolerated, but these predictions have not been confirmed by published functional studies and their clinical significance is uncertain. In summary, the available evidence is currently insufficient to determine the role of this variant in disease. Therefore, it has been classified as a Variant of Uncertain Significance.